The following is an entry in ClinVar:

NM_207361.6(FREM2):c.1542C>T (p.Ala514=)

Gene: FREM2 (FRAS1 related extracellular matrix 2; plus strand). Cytogenetic location: 13q13.3.
Variant type: single nucleotide variant.
Coding change: c.1542C>T on transcript NM_207361.6 (MANE Select); coding-DNA position 1542, C replaced by T.
Protein change: p.Ala514=; no amino-acid change (alanine 514 retained).
Molecular consequence: synonymous variant.
Genome position (GRCh38, 1-based): chr13:38,688,886, C>T. VCF-style: chr13-38688886-C-T. GRCh37 (hg19) VCF-style: chr13-39263023-C-T.
Other names: p.Ala514=.
Identifiers: ClinVar variation 193535 (VCV000193535.22), dbSNP rs12874397, ClinGen allele CA200641.
Genomic context (GRCh38, chr13:38,688,886, plus strand): 5'-TCTGGGTGCTTCCAGTGGCAGCTCTGCTCCCAAGAGCTTTACAGTGGCTGAGCTGGCAGC[C>T]GGCCAGGTGGTCTACCAGCATGATGACAGAGACGGCTCGCTGAGCGACAACCTGGTGCTT-3'
Protein context (NP_997244.4, residues 504-524): PKSFTVAELA[Ala514=]GQVVYQHDDR

ClinVar aggregate classification (germline): Benign. Review status: criteria provided, multiple submitters, no conflicts (2 of 4 stars). 7 submissions from 7 submitters: Benign (7). Last evaluated 2026-02-04.

Conditions:
Fraser syndrome 2 (FRASRS2). Identifiers: MedGen C4540036, MONDO:0054738, OMIM 617666.

Allele frequency attached by ClinVar (database versions not stated): gnomAD 0.18215 and 0.17757; gnomAD exomes 0.18648 and 0.23686; ESP Exome Variant Server 0.18694; ExAC 0.19033; 1000 Genomes Project 30x 0.08151; 1000 Genomes Project 0.08427; TOPMed 0.16191.
gnomAD v4.1: 370,813 of 1,611,830 alleles (23%); highest among the groups gnomAD compares: Non-Finnish European, 27%; 47,618 homozygotes.

Submissions (7):

Labcorp Genetics (formerly Invitae), Labcorp
Classification: Benign. Last evaluated: 2026-02-04. Review status: criteria provided, single submitter. Criteria: Invitae Variant Classification Sherloc (09022015). Collection method: clinical testing. Allele origin: germline.

Blueprint Genetics
Classification: Benign. Last evaluated: 2024-11-27. Review status: criteria provided, single submitter. Criteria: ACMG Guidelines, 2015. Collection method: clinical testing. Allele origin: germline.

Mayo Clinic Laboratories, Mayo Clinic
Classification: Benign. Last evaluated: 2022-03-09. Review status: criteria provided, single submitter. Criteria: ACMG Guidelines, 2015. Collection method: clinical testing. Allele origin: germline. Observed: 27 variant alleles.

GeneDx
Classification: Benign. Last evaluated: 2021-06-09. Review status: criteria provided, single submitter. Criteria: GeneDx Variant Classification Process June 2021. Collection method: clinical testing. Allele origin: germline. Affected: yes.

Illumina Laboratory Services, Illumina
Classification: Benign for Fraser syndrome 2. Last evaluated: 2018-01-13. Review status: criteria provided, single submitter. Criteria: ICSL Variant Classification Criteria 13 December 2019. Collection method: clinical testing. Allele origin: germline.
Comment: This variant was observed in the ICSL laboratory as part of a predisposition screen in an ostensibly healthy population. It had not been previously curated by ICSL or reported in the Human Gene Mutation Database (HGMD: prior to June 1st, 2018), and was therefore a candidate for classification through an automated scoring system. Utilizing variant allele frequency, disease prevalence and penetrance estimates, and inheritance mode, an automated score was calculated to assess if this variant is too frequent to cause the disease. Based on the score and internal cut-off values, a variant classified as benign is not then subjected to further curation. The score for this variant resulted in a classification of benign for this disease.

Eurofins Ntd Llc (ga)
Classification: Benign. Last evaluated: 2014-10-21. Review status: criteria provided, single submitter. Criteria: EGL Classification Definitions 2015. Collection method: clinical testing. Allele origin: germline. Observed: 1 variant allele, 1 heterozygote.

Breakthrough Genomics
Classification: Benign. Review status: criteria provided, single submitter. Criteria: ACMG Guidelines, 2015. Collection method: not provided. Allele origin: germline. Inheritance: Autosomal recessive inheritance. Affected: yes.